The following is an entry in ClinVar:

ClinVar aggregate classification (germline): Uncertain significance (1 of 4 stars; one submission).

Conditions:
Epidermolysis bullosa simplex 3, localized or generalized intermediate, with BP230 deficiency (EBS3). Also called: Epidermolysis bullosa simplex due to BP230 deficiency; Epidermolysis bullosa simplex, autosomal recessive 2. Identifiers: Orphanet 412181, MedGen C3809470, MONDO:0014180, OMIM 615425.
Hereditary sensory and autonomic neuropathy type 6. Also called: HSAN VI; Neuropathy, hereditary sensory and autonomic, type VI. Identifiers: Orphanet 314381, MedGen C3539003, MONDO:0013839, OMIM 614653.

Allele frequency attached by ClinVar (database versions not stated): gnomAD exomes below 0.00001; gnomAD 0.00001.
gnomAD v4.1: 5 of 1,613,524 alleles (0.00031%); highest among the groups gnomAD compares: Non-Finnish European, 0.00034%; no homozygotes.

Submission:

Labcorp Genetics (formerly Invitae), Labcorp
Classification: Uncertain significance for Epidermolysis bullosa simplex 3, localized or generalized intermediate, with BP230 deficiency; Hereditary sensory and autonomic neuropathy type 6. Last evaluated: 2023-11-08. Review status: criteria provided, single submitter. Criteria: Invitae Variant Classification Sherloc (09022015). Collection method: clinical testing. Allele origin: germline.
Comment: This sequence change replaces alanine, which is neutral and non-polar, with proline, which is neutral and non-polar, at codon 1319 of the DST protein (p.Ala1319Pro). This variant is not present in population databases (gnomAD no frequency). This variant has not been reported in the literature in individuals affected with DST-related conditions. ClinVar contains an entry for this variant (Variation ID: 841231). An algorithm developed to predict the effect of missense changes on protein structure and function (PolyPhen-2) suggests that this variant is likely to be disruptive. In summary, the available evidence is currently insufficient to determine the role of this variant in disease. Therefore, it has been classified as a Variant of Uncertain Significance.

NM_001723.7(DST):c.3955G>C (p.Ala1319Pro)

Gene: DST (dystonin; minus strand). Cytogenetic location: 6p12.1.
Variant type: single nucleotide variant.
Coding change: c.3955G>C on transcript NM_001723.7 (MANE Plus Clinical); coding-DNA position 3955, G replaced by C.
Protein change: p.Ala1319Pro; replaces alanine 1319 with proline.
Molecular consequence: missense variant. On other transcripts: intron variant (10).
Genome position (GRCh38, 1-based): chr6:56,620,079, C>G on the plus strand (G>C on the coding strand, the complement: DST is on the minus strand). VCF-style: chr6-56620079-C-G. GRCh37 (hg19) VCF-style: chr6-56484877-C-G.
Other names: c.4830+4451G>C (NM_001144769.5); c.4929+4451G>C (NM_001374722.1, NM_001374736.1); c.4956+4451G>C (NM_001374734.1); c.4416+4451G>C (NM_001144770.2); c.4296+4451G>C (NM_001374730.1, NM_001386100.1, NM_183380.4 and 1 more transcripts); c.3318+4451G>C (NM_015548.5); short protein forms A1319P.
Identifiers: ClinVar variation 841231 (VCV000841231.8), dbSNP rs2098674123, ClinGen allele CA364570742.